The following is an entry in ClinVar:

NM_000059.4(BRCA2):c.3608G>T (p.Ser1203Ile)

Gene: BRCA2 (BRCA2 DNA repair associated; plus strand). Cytogenetic location: 13q13.1.
Variant type: single nucleotide variant.
Coding change: c.3608G>T on transcript NM_000059.4 (MANE Select); coding-DNA position 3608, G replaced by T.
Protein change: p.Ser1203Ile; replaces serine 1203 with isoleucine.
Molecular consequence: missense variant. On other transcripts: non-coding transcript variant (1), intron variant (2).
Genome position (GRCh38, 1-based): chr13:32,337,963, G>T. VCF-style: chr13-32337963-G-T. GRCh37 (hg19) VCF-style: chr13-32912100-G-T.
Other names: c.3608G>T, p.Ser1203Ile (NM_001406719.1, NM_001406720.1, NM_001432077.1); c.1909+4576G>T (NM_001406721.1); c.425-6595G>T (NM_001406722.1); short protein forms S1203I.
Identifiers: ClinVar variation 4856593 (VCV004856593.1).

ClinVar aggregate classification (germline): Likely benign (1 of 4 stars; one submission).

Conditions:
Breast-ovarian cancer, familial, susceptibility to, 2 (BROVCA2). Also called: BRCA2 Hereditary Breast and Ovarian Cancer. Identifiers: Orphanet 145, MedGen C2675520, MONDO:0012933, OMIM 612555. Disease mechanism: loss of function.

gnomAD v4.1: 1 of 1,613,958 alleles (0.000062%); highest among the groups gnomAD compares: South Asian, 0.0011%; no homozygotes.

Submission:

Cancer Bioinformatics and Tumour Evolution Laboratory, Monash University
Classification: Likely benign for Breast-ovarian cancer, familial, susceptibility to, 2. Last evaluated: 2026-05-01. Review status: criteria provided, single submitter. Criteria: ClinGen BRCA1 and BRCA2 Guidelines, 2024. Collection method: curation. Allele origin: germline. Inheritance: Autosomal dominant inheritance.
Comment: Missense variant outside of a functional domain with no splice impact. BRCA1 and BRCA2 VCEP guidelines recommend application of BP1_Strong (PMID: 39142283)